The following is an entry in ClinVar:

ClinVar aggregate classification (germline): Uncertain significance. Review status: criteria provided, multiple submitters, no conflicts (2 of 4 stars). 2 submissions from 2 submitters: Uncertain significance (2). Last evaluated 2025-09-25.

Conditions:
Autoinflammatory syndrome, familial, Behcet-like 1 (AIFBL1). Also called: Haploinsufficiency of A20. Identifiers: Orphanet 674762, MedGen C4225218, MONDO:0800045, OMIM 616744.

Allele frequency attached by ClinVar (database versions not stated): TOPMed below 0.00001; gnomAD 0.00001.
gnomAD v4.1: 8 of 1,613,972 alleles (0.0005%); highest among the groups gnomAD compares: Middle Eastern, 0.033%; no homozygotes.

Submissions (2):

Labcorp Genetics (formerly Invitae), Labcorp
Classification: Uncertain significance. Last evaluated: 2025-09-25. Review status: criteria provided, single submitter. Criteria: Invitae Variant Classification Sherloc (09022015). Collection method: clinical testing. Allele origin: germline.
Comment: This sequence change replaces arginine, which is basic and polar, with glutamine, which is neutral and polar, at codon 90 of the TNFAIP3 protein (p.Arg90Gln). This variant is not present in population databases (gnomAD no frequency). This variant has not been reported in the literature in individuals affected with TNFAIP3-related conditions. ClinVar contains an entry for this variant (Variation ID: 1960499). Invitae Evidence Modeling of protein sequence and biophysical properties (such as structural, functional, and spatial information, amino acid conservation, physicochemical variation, residue mobility, and thermodynamic stability) indicates that this missense variant is not expected to disrupt TNFAIP3 protein function with a negative predictive value of 80%. In summary, the available evidence is currently insufficient to determine the role of this variant in disease. Therefore, it has been classified as a Variant of Uncertain Significance.

Next Generation Genetic Polyclinic
Classification: Uncertain significance for Autoinflammatory syndrome, familial, Behcet-like 1. Last evaluated: 2025-03-11. Review status: criteria provided, single submitter. Criteria: ACMG Guidelines, 2015. Collection method: curation. Allele origin: germline. Affected: yes. Observed: 1 variant allele.
Comment: Novel missense variant in TNFAIP3 gene (c.269G>A; p.Arg90Gln), located in a conserved region of the OTU domain critical for A20 deubiquitinase activity. In silico predictions (SIFT, PolyPhen-2) suggest a possibly damaging effect, though not consistently across all tools. The variant is absent from population databases such as gnomAD (PM2). No published literature or ClinVar submissions currently report this variant (novel). Identified in a homozygous state. Clinical correlation with autoinflammatory or immunodeficiency phenotypes may support pathogenicity (PP4). Currently classified as Variant of Uncertain Significance (VUS). Meets ACMG criteria: PM2, PP3 (with limited evidence).

NM_001270508.2(TNFAIP3):c.269G>A (p.Arg90Gln)

Gene: TNFAIP3 (TNF alpha induced protein 3; plus strand). Cytogenetic location: 6q23.3.
Variant type: single nucleotide variant.
Coding change: c.269G>A on transcript NM_001270508.2 (MANE Select); coding-DNA position 269, G replaced by A.
Protein change: p.Arg90Gln; replaces arginine 90 with glutamine.
Molecular consequence: missense variant.
Genome position (GRCh38, 1-based): chr6:137,871,496, G>A. VCF-style: chr6-137871496-G-A. GRCh37 (hg19) VCF-style: chr6-138192633-G-A.
Other names: c.269G>A, p.Arg90Gln (NM_001270507.2, NM_006290.4); short protein forms R90Q.
Identifiers: ClinVar variation 1960499 (VCV001960499.6), dbSNP rs1422450549, ClinGen allele CA365780764.
Genomic context (GRCh38, chr6:137,871,496, plus strand): 5'-ACAGAAACATCCAGGCCACCCTGGAAAGCCAGAAGAAACTCAACTGGTGTCGAGAAGTCC[G>A]GAAGCTTGTGGCGCTGAAAACGAACGGTAAGACTTGTTCTGTTGTGTTTCTTTTGCCTGG-3'
Protein context (NP_001257437.1, residues 80-100): QKKLNWCREV[Arg90Gln]KLVALKTNGD